The following is an entry in ClinVar:

NM_000257.4(MYH7):c.4083T>G (p.Leu1361=)

Gene: MYH7 (myosin heavy chain 7; minus strand). Cytogenetic location: 14q11.2.
Variant type: single nucleotide variant.
Coding change: c.4083T>G on transcript NM_000257.4 (MANE Select); coding-DNA position 4083, T replaced by G.
Protein change: p.Leu1361=; no amino-acid change (leucine 1361 retained).
Molecular consequence: synonymous variant.
Genome position (GRCh38, 1-based): chr14:23,418,296, A>C on the plus strand (T>G on the coding strand, the complement: MYH7 is on the minus strand). VCF-style: chr14-23418296-A-C. GRCh37 (hg19) VCF-style: chr14-23887505-A-C.
Other names: c.4083T>G (LRG_384t1).
Identifiers: ClinVar variation 414341 (VCV000414341.25), dbSNP rs754295295, ClinGen allele CA040356.
Genomic context (GRCh38, chr14:23,418,296, plus strand): 5'-CTGAATGGCGTCCGTCTCATACTTGGTCCTCCACTGGGCCACCTCCGAGTTGGCCTTGGA[A>C]AGGACGCGCTGCAGCTCGGCCTTGGCCTCCGTCTCCTCCTCGTACTGCTCCCGCAGCAGG-3'
Protein context (NP_000248.2, residues 1351-1371): TEAKAELQRV[Leu1361=]SKANSEVAQW

ClinVar aggregate classification (germline): Likely benign. Review status: criteria provided, multiple submitters, no conflicts (2 of 4 stars). 10 submissions from 10 submitters: Likely benign (6). 4 of the submissions do not count toward it. Last evaluated 2026-01-19.

Conditions:
Myopathy, myosin storage, autosomal recessive (CMYO7B). Also called: CONGENITAL MYOPATHY 7B, MYOSIN STORAGE, AUTOSOMAL RECESSIVE. Identifiers: Orphanet 636970, MedGen C1850709, MONDO:0009708, OMIM 255160.
MYH7-related skeletal myopathy. Also called: MYOPATHY, DISTAL, EARLY-ONSET, AUTOSOMAL DOMINANT; MYOPATHY, LATE DISTAL HEREDITARY; Myopathy, distal, 1; Laing early-onset distal myopathy; Laing distal myopathy. Identifiers: Orphanet 59135, MedGen C4552004, MONDO:0008050, OMIM 160500.
Myosin storage myopathy (CMYO7A). Also called: Scapuloperoneal myopathy, MYH7-related; SCAPULOPERONEAL MUSCULAR DYSTROPHY; SCAPULOPERONEAL SYNDROME, MYOPATHIC TYPE; MYOPATHY, HYALINE BODY, AUTOSOMAL DOMINANT; MYH7-related late-onset scapuloperoneal muscular dystrophy; Congenital myopathy 7A, myosin storage, autosomal dominant. Identifiers: Orphanet 437572, Orphanet 636965, MedGen C1842160, MONDO:0008409, OMIM 608358.
Hypertrophic cardiomyopathy 1 (CMH1). Also called: MYH7-Related Familial Hypertrophic Cardiomyopathy; Familial hypertrophic cardiomyopathy 1. Identifiers: MedGen C3495498, MONDO:0008647, OMIM 192600.
Dilated cardiomyopathy 1S (CMD1S). Identifiers: Orphanet 154, Orphanet 54260, MedGen C1834481, MONDO:0013262, OMIM 613426.
Congenital myopathy with fiber type disproportion. Also called: Congenital fiber-type disproportion; Congenital fiber-type disproportion myopathy. Identifiers: Orphanet 2020, MedGen C0546264, MONDO:0009711. Inheritance: all.
MYH7-related disorder. Also called: MYH7-related condition; MYH7-related disease; MYH7-related disorders.
Cardiovascular phenotype. Identifiers: MedGen CN230736.
Cardiomyopathy (CMYO). Also called: Cardiomyopathies. Identifiers: Orphanet 167848, MedGen C0878544, MONDO:0004994, HP:0001638. Inheritance: Various modes of inheritance.
Hypertrophic cardiomyopathy. Also called: HYPERTROPHIC MYOCARDIOPATHY. Identifiers: Orphanet 217569, MedGen C0007194, MeSH D002312, MONDO:0005045, HP:0001639.

Allele frequency attached by ClinVar (database versions not stated): ExAC 0.00001; gnomAD exomes 0.00001 and 0.00005; gnomAD 0.00003 and 0.00004; TOPMed 0.00004.
gnomAD v4.1: 71 of 1,613,514 alleles (0.0044%); highest among the groups gnomAD compares: African/African-American, 0.0053%; no homozygotes.

Submissions (10):

Labcorp Genetics (formerly Invitae), Labcorp
Classification: Likely benign for Hypertrophic cardiomyopathy. Last evaluated: 2026-01-19. Review status: criteria provided, single submitter. Criteria: Invitae Variant Classification Sherloc (09022015). Collection method: clinical testing. Allele origin: germline.

PreventionGenetics, part of Exact Sciences
Classification: Likely benign for MYH7-related condition. Last evaluated: 2025-12-16. Review status: criteria provided, single submitter. Criteria: ACMG Guidelines, 2015. Collection method: clinical testing. Allele origin: germline.
Comment: This variant is classified as likely benign based on ACMG/AMP sequence variant interpretation guidelines (Richards et al. 2015 PMID: 25741868, with internal and published modifications).

All of Us Research Program, National Institutes of Health
Classification: Likely benign for Cardiomyopathy. Last evaluated: 2023-12-01. Review status: criteria provided, single submitter. Criteria: ACMG Guidelines, 2015. Collection method: clinical testing. Allele origin: germline. Inheritance: Autosomal dominant inheritance. Observed: 10 variant alleles, 10 heterozygotes.
Comment: This study involves interpretation of variants in research participants for the purpose of population health screening. Participant phenotype was not available at the time of variant classification. Additional details can be found in publication PMID: 35346344, PMCID: PMC8962531

Fulgent Genetics
Classification: Likely benign for MYH7-related skeletal myopathy; Myosin storage myopathy; Hypertrophic cardiomyopathy 1; Myopathy, myosin storage, autosomal recessive; Congenital myopathy 4A, autosomal dominant; Dilated cardiomyopathy 1S. Last evaluated: 2021-08-19. Review status: criteria provided, single submitter. Criteria: ACMG Guidelines, 2015. Collection method: clinical testing. Allele origin: unknown.

Color Diagnostics, LLC DBA Color Health
Classification: Likely benign for Cardiomyopathy. Last evaluated: 2019-04-14. Review status: criteria provided, single submitter. Criteria: ACMG Guidelines, 2015. Collection method: clinical testing. Allele origin: germline.

Ambry Genetics
Classification: Likely benign for Cardiovascular phenotype. Last evaluated: 2016-05-17. Review status: criteria provided, single submitter. Criteria: Ambry Variant Classification Scheme 2023. Collection method: clinical testing. Allele origin: germline.

Clinical Genetics DNA and cytogenetics Diagnostics Lab, Erasmus MC, Erasmus Medical Center
Classification: Likely benign. Review status: no assertion criteria provided. Collection method: clinical testing. Allele origin: germline. Affected: yes. Study: VKGL Data-share Consensus. Not counted in ClinVar's aggregate classification.

Clinical Genetics, Academic Medical Center
Classification: Benign. Review status: no assertion criteria provided. Collection method: clinical testing. Allele origin: germline. Affected: yes. Study: VKGL Data-share Consensus. Not counted in ClinVar's aggregate classification.

Genome Diagnostics Laboratory, University Medical Center Utrecht
Classification: Likely benign. Review status: no assertion criteria provided. Collection method: clinical testing. Allele origin: germline. Affected: yes. Study: VKGL Data-share Consensus. Not counted in ClinVar's aggregate classification.

Joint Genome Diagnostic Labs from Nijmegen and Maastricht, Radboudumc and MUMC+
Classification: Likely benign. Review status: no assertion criteria provided. Collection method: clinical testing. Allele origin: germline. Affected: yes. Study: VKGL Data-share Consensus. Not counted in ClinVar's aggregate classification.